The following is an entry in ClinVar:

ClinVar aggregate classification (germline): Uncertain significance (1 of 4 stars; one submission).

Submission:

GeneDx
Classification: Uncertain significance. Last evaluated: 2024-12-12. Review status: criteria provided, single submitter. Criteria: GeneDx Variant Classification Process June 2021. Collection method: clinical testing. Allele origin: germline. Affected: yes.
Comment: Not observed at significant frequency in large population cohorts (gnomAD); Has not been previously published as pathogenic or benign to our knowledge; Frameshift variant predicted to result in abnormal protein length as the last 40 amino acids are replaced with 78 different amino acids with an unclear effect on protein function

NM_001395159.1(UNC79):c.8003_8005delinsC (p.Gly2668fs)

Gene: UNC79 (unc-79 homolog, NALCN channel complex subunit; plus strand). Cytogenetic location: 14q32.12.
Variant type: Indel.
Coding change: c.8003_8005delinsC on transcript NM_001395159.1 (MANE Select); coding-DNA positions 8003 to 8005, GCT replaced by C.
Protein change: p.Gly2668fs; shifts the reading frame from glycine 2668.
Molecular consequence: frameshift variant.
Genome position (GRCh38, 1-based): chr14:93,706,783-93,706,785, GCT replaced by C. VCF-style: chr14-93706783-GCT-C. GRCh37 (hg19) VCF-style: chr14-94173129-GCT-C.
Other names: c.7937_7939delinsC, p.Gly2646fs (NM_001346218.2); c.7256_7258delinsC, p.Gly2419fs (NM_020818.5); short protein forms G2419fs, G2646fs, G2668fs.
Identifiers: ClinVar variation 3903095 (VCV003903095.1).